The following is an entry in ClinVar:

ClinVar aggregate classification (germline): Uncertain significance (1 of 4 stars; one submission).

Submission:

Labcorp Genetics (formerly Invitae), Labcorp
Classification: Uncertain significance. Last evaluated: 2022-02-28. Review status: criteria provided, single submitter. Criteria: Invitae Variant Classification Sherloc (09022015). Collection method: clinical testing. Allele origin: germline.
Comment: This sequence change replaces alanine, which is neutral and non-polar, with threonine, which is neutral and polar, at codon 459 of the CSF2RB protein (p.Ala459Thr). In summary, the available evidence is currently insufficient to determine the role of this variant in disease. Therefore, it has been classified as a Variant of Uncertain Significance. Algorithms developed to predict the effect of missense changes on protein structure and function (SIFT, PolyPhen-2, Align-GVGD) all suggest that this variant is likely to be tolerated. This variant has not been reported in the literature in individuals affected with CSF2RB-related conditions. This variant is not present in population databases (gnomAD no frequency).

NM_000395.3(CSF2RB):c.1375G>A (p.Ala459Thr)

Gene: CSF2RB (colony stimulating factor 2 receptor subunit beta; plus strand). Cytogenetic location: 22q12.3.
Variant type: single nucleotide variant.
Coding change: c.1375G>A on transcript NM_000395.3 (MANE Select); coding-DNA position 1375, G replaced by A.
Protein change: p.Ala459Thr; replaces alanine 459 with threonine.
Molecular consequence: missense variant.
Genome position (GRCh38, 1-based): chr22:36,935,410, G>A. VCF-style: chr22-36935410-G-A. GRCh37 (hg19) VCF-style: chr22-37331452-G-A.
Other names: c.1393G>A, p.Ala465Thr (NM_001410827.1); short protein forms A465T, A459T.
Identifiers: ClinVar variation 2104504 (VCV002104504.4), dbSNP rs2145819814, ClinGen allele CA411409282.
Genomic context (GRCh38, chr22:36,935,410, plus strand): 5'-GTGCTGCCTATGTGGGTGCTGGCCCTCATCGTGATCTTCCTCACCATCGCTGTGCTCCTG[G>A]CCCTCCGCTTCTGTGGCATCTACGGGTACAGGTGAGGGGACTCTGTGGGGCTGGAGGTGG-3'
Protein context (NP_000386.1, residues 449-469): VIFLTIAVLL[Ala459Thr]LRFCGIYGYR